The following is an entry in ClinVar:

NM_005733.3(KIF20A):c.375+1G>C

Gene: KIF20A (kinesin family member 20A; plus strand). Cytogenetic location: 5q31.2.
Variant type: single nucleotide variant.
Coding change: c.375+1G>C on transcript NM_005733.3 (MANE Select); the canonical splice donor site of the intron after coding-DNA position 375, G replaced by C.
Molecular consequence: splice donor variant.
Genome position (GRCh38, 1-based): chr5:138,181,729, G>C. VCF-style: chr5-138181729-G-C. GRCh37 (hg19) VCF-style: chr5-137517418-G-C.
Identifiers: ClinVar variation 2093780 (VCV002093780.4), dbSNP rs2482176559, ClinGen allele CA361112639.

ClinVar aggregate classification (germline): Uncertain significance (1 of 4 stars; one submission).

Submission:

Labcorp Genetics (formerly Invitae), Labcorp
Classification: Uncertain significance. Last evaluated: 2022-08-10. Review status: criteria provided, single submitter. Criteria: Invitae Variant Classification Sherloc (09022015). Collection method: clinical testing. Allele origin: germline.
Comment: In summary, the available evidence is currently insufficient to determine the role of this variant in disease. Therefore, it has been classified as a Variant of Uncertain Significance. Algorithms developed to predict the effect of sequence changes on RNA splicing suggest that this variant may disrupt the consensus splice site. This variant has not been reported in the literature in individuals affected with KIF20A-related conditions. This variant is not present in population databases (gnomAD no frequency). This sequence change affects a donor splice site in intron 4 of the KIF20A gene. It is expected to disrupt RNA splicing. Variants that disrupt the donor or acceptor splice site typically lead to a loss of protein function (PMID: 16199547), however the current clinical and genetic evidence is not sufficient to establish whether loss-of-function variants in KIF20A cause disease.

Literature cited by the submitters: PubMed 16199547.